The following is an entry in ClinVar:

NM_000090.4(COL3A1):c.3362C>T (p.Pro1121Leu)

Gene: COL3A1 (collagen type III alpha 1 chain; plus strand). Cytogenetic location: 2q32.2.
Variant type: single nucleotide variant.
Coding change: c.3362C>T on transcript NM_000090.4 (MANE Select); coding-DNA position 3362, C replaced by T.
Protein change: p.Pro1121Leu; replaces proline 1121 with leucine.
Molecular consequence: missense variant.
Genome position (GRCh38, 1-based): chr2:189,007,606, C>T. VCF-style: chr2-189007606-C-T. GRCh37 (hg19) VCF-style: chr2-189872332-C-T.
Other names: short protein forms P1121L.
Identifiers: ClinVar variation 4779634 (VCV004779634.1).

ClinVar aggregate classification (germline): Uncertain significance (1 of 4 stars; one submission).

Conditions:
Ehlers-Danlos syndrome, type 4 (EDSVASC). Also called: Ehlers-Danlos syndrome vascular type; Ehlers Danlos syndrome, ecchymotic type; Ehlers Danlos syndrome, arterial type; Ehlers Danlos syndrome, Sack-Barabas type; Ehlers-Danlos Syndrome Type IV. Identifiers: Orphanet 286, MedGen C0268338, MONDO:0017314, OMIM 130050.

Submission:

Labcorp Genetics (formerly Invitae), Labcorp
Classification: Uncertain significance for Ehlers-Danlos syndrome, type 4. Last evaluated: 2025-03-13. Review status: criteria provided, single submitter. Criteria: Invitae Variant Classification Sherloc (09022015). Collection method: clinical testing. Allele origin: germline.
Comment: This sequence change replaces proline, which is neutral and non-polar, with leucine, which is neutral and non-polar, at codon 1121 of the COL3A1 protein (p.Pro1121Leu). This variant is not present in population databases (gnomAD no frequency). This variant has not been reported in the literature in individuals affected with COL3A1-related conditions. Experimental studies and prediction algorithms are not available or were not evaluated, and the functional significance of this variant is currently unknown. In summary, the available evidence is currently insufficient to determine the role of this variant in disease. Therefore, it has been classified as a Variant of Uncertain Significance.